The following is an entry in ClinVar:

ClinVar aggregate classification (germline): Pathogenic (1 of 4 stars; one submission).

Conditions:
Nemaline myopathy 2 (NEM2). Also called: Nemaline myopathy 2, autosomal recessive. Identifiers: MedGen C1850569, MONDO:0009725, OMIM 256030.

Submission:

Labcorp Genetics (formerly Invitae), Labcorp
Classification: Pathogenic for Nemaline myopathy 2. Last evaluated: 2022-11-09. Review status: criteria provided, single submitter. Criteria: Invitae Variant Classification Sherloc (09022015). Collection method: clinical testing. Allele origin: germline.
Comment: For these reasons, this variant has been classified as Pathogenic. ClinVar contains an entry for this variant (Variation ID: 1452789). This variant has not been reported in the literature in individuals affected with NEB-related conditions. This variant is not present in population databases (gnomAD no frequency). This sequence change creates a premature translational stop signal (p.Trp961Cysfs*6) in the NEB gene. It is expected to result in an absent or disrupted protein product. Loss-of-function variants in NEB are known to be pathogenic (PMID: 25205138).

Literature cited by the submitters: PubMed 25205138.

NM_001164508.2(NEB):c.2880_2883del (p.Trp961fs)

Gene: NEB (nebulin; minus strand). Cytogenetic location: 2q23.3.
Variant type: Deletion.
Coding change: c.2880_2883del on transcript NM_001164508.2 (MANE Select); coding-DNA positions 2880 to 2883, 4 bases deleted (CTGG; older notation c.2880_2883delCTGG).
Protein change: p.Trp961fs; shifts the reading frame from tryptophan 961.
Molecular consequence: frameshift variant.
Genome position (GRCh38, 1-based): chr2:151,682,722-151,682,725, CCAG deleted on the plus strand (CTGG on the coding strand, the reverse complement: NEB is on the minus strand); deleting any 4 consecutive bases within chr2:151,682,722-151,682,728 gives the same sequence; the c. name uses the placement nearest the transcript's 3' end. VCF-style (leftmost placement, unchanged base first): chr2-151682721-CCCAG-C. GRCh37 (hg19) VCF-style: chr2-152539235-CCCAG-C.
Other names: c.2880_2883del, p.Trp961fs (NM_001164507.2, NM_001271208.2, NM_004543.5); short protein forms W961fs.
Identifiers: ClinVar variation 1452789 (VCV001452789.6), dbSNP rs2148735901, ClinGen allele CA2573133228.
Genomic context (GRCh38, chr2:151,682,721, plus strand): 5'-CCTCATTGAGGATGTCTGAAGCTCGCTTTGCCTTTTCCATTTCTAAGGACCCAAAAGGCA[CCCAG>C]CCACAACCTTTCATCCAGCTATTGTAGTCAGCTTTGTATTCAACCTAAAACACCAAGAGA-3'